The following is an entry in ClinVar:

NM_004656.4(BAP1):c.943G>A (p.Glu315Lys)

Gene: BAP1 (BRCA1 associated deubiquitinase 1; minus strand). Cytogenetic location: 3p21.1.
Variant type: single nucleotide variant.
Coding change: c.943G>A on transcript NM_004656.4 (MANE Select); coding-DNA position 943, G replaced by A.
Protein change: p.Glu315Lys; replaces glutamic acid 315 with lysine.
Molecular consequence: missense variant.
Genome position (GRCh38, 1-based): chr3:52,405,283, C>T on the plus strand (G>A on the coding strand, the complement: BAP1 is on the minus strand). VCF-style: chr3-52405283-C-T. GRCh37 (hg19) VCF-style: chr3-52439299-C-T.
Other names: short protein forms E315K.
Identifiers: ClinVar variation 1011043 (VCV001011043.5), dbSNP rs1300887101, ClinGen allele CA353106331.

ClinVar aggregate classification (germline): Uncertain significance (1 of 4 stars; one submission).

Conditions:
BAP1-related tumor predisposition syndrome (TPDS1). Also called: TUMOR PREDISPOSITION SYNDROME 1; BAP1 tumor predisposition syndrome; Tumor susceptibility linked to germline BAP1 mutations; COMMON Syndrome. Identifiers: Orphanet 289539, MedGen C3280492, MONDO:0013692, OMIM 614327.

Allele frequency attached by ClinVar (database versions not stated): gnomAD exomes below 0.00001.

Submission:

Labcorp Genetics (formerly Invitae), Labcorp
Classification: Uncertain significance for BAP1-related tumor predisposition syndrome. Last evaluated: 2022-05-02. Review status: criteria provided, single submitter. Criteria: Invitae Variant Classification Sherloc (09022015). Collection method: clinical testing. Allele origin: germline.
Comment: This sequence change replaces glutamic acid, which is acidic and polar, with lysine, which is basic and polar, at codon 315 of the BAP1 protein (p.Glu315Lys). This variant is present in population databases (no rsID available, gnomAD 0.003%). ClinVar contains an entry for this variant (Variation ID: 1011043). Algorithms developed to predict the effect of missense changes on protein structure and function are either unavailable or do not agree on the potential impact of this missense change (SIFT: "Deleterious"; PolyPhen-2: "Benign"; Align-GVGD: "Class C0"). In summary, the available evidence is currently insufficient to determine the role of this variant in disease. Therefore, it has been classified as a Variant of Uncertain Significance. This variant has not been reported in the literature in individuals affected with BAP1-related conditions.